The following is an entry in ClinVar:

NM_001379500.1(COL18A1):c.107-11557C>G

Gene: COL18A1 (collagen type XVIII alpha 1 chain; plus strand). Cytogenetic location: 21q22.3.
Variant type: single nucleotide variant.
Coding change: c.107-11557C>G on transcript NM_001379500.1 (MANE Select); 11557 bases into the intron before coding-DNA position 107, C replaced by G.
Molecular consequence: intron variant. On other transcripts: synonymous variant (1).
Genome position (GRCh38, 1-based): chr21:45,456,685, C>G. VCF-style: chr21-45456685-C-G. GRCh37 (hg19) VCF-style: chr21-46876599-C-G.
Other names: c.1155C>G, p.Leu385= (NM_130444.3); c.646+509C>G (NM_030582.4).
Identifiers: ClinVar variation 4987787 (VCV004987787.1).

ClinVar aggregate classification (germline): Likely benign (1 of 4 stars; one submission).

Conditions:
COL18A1-related disorder. Also called: COL18A1-related condition; COL18A1-related disorders.

gnomAD v4.1: 9 of 1,532,120 alleles (0.00059%); highest among the groups gnomAD compares: African/African-American, 0.0014%; no homozygotes.

Submission:

PreventionGenetics, part of Exact Sciences
Classification: Likely benign for COL18A1-related condition. Last evaluated: 2025-02-17. Review status: criteria provided, single submitter. Criteria: ACMG Guidelines, 2015. Collection method: clinical testing. Allele origin: germline.
Comment: This variant is classified as likely benign based on ACMG/AMP sequence variant interpretation guidelines (Richards et al. 2015 PMID: 25741868, with internal and published modifications).